The following is an entry in ClinVar:

NM_003718.5(CDK13):c.2290A>G (p.Ile764Val)

Gene: CDK13 (cyclin dependent kinase 13; plus strand). Cytogenetic location: 7p14.1.
Variant type: single nucleotide variant.
Coding change: c.2290A>G on transcript NM_003718.5 (MANE Select); coding-DNA position 2290, A replaced by G.
Protein change: p.Ile764Val; replaces isoleucine 764 with valine.
Molecular consequence: missense variant.
Genome position (GRCh38, 1-based): chr7:40,001,968, A>G. VCF-style: chr7-40001968-A-G. GRCh37 (hg19) VCF-style: chr7-40041567-A-G.
Other names: c.2290A>G, p.Ile764Val (NM_031267.4); short protein forms I764V.
Identifiers: ClinVar variation 3687227 (VCV003687227.2).
Genomic context (GRCh38, chr7:40,001,968, plus strand): 5'-GGCTTTCCAATTACAGCAATTCGAGAAATTAAAATTCTCCGGCAGCTTACCCATCAGAGT[A>G]TTATCAATATGAAGGAAATAGTGACTGATAAAGAAGATGCTTTGGATTTCAAGAAGGACA-3'
Protein context (NP_003709.3, residues 754-774): KILRQLTHQS[Ile764Val]INMKEIVTDK

ClinVar aggregate classification (germline): Uncertain significance (1 of 4 stars; one submission).

gnomAD v4.1: 2 of 1,610,774 alleles (0.00012%); highest among the groups gnomAD compares: Non-Finnish European, 0.000085%; no homozygotes.

Submission:

Labcorp Genetics (formerly Invitae), Labcorp
Classification: Uncertain significance. Last evaluated: 2024-06-07. Review status: criteria provided, single submitter. Criteria: Invitae Variant Classification Sherloc (09022015). Collection method: clinical testing. Allele origin: germline.
Comment: This sequence change replaces isoleucine, which is neutral and non-polar, with valine, which is neutral and non-polar, at codon 764 of the CDK13 protein (p.Ile764Val). This variant is not present in population databases (gnomAD no frequency). This variant has not been reported in the literature in individuals affected with CDK13-related conditions. Advanced modeling of protein sequence and biophysical properties (such as structural, functional, and spatial information, amino acid conservation, physicochemical variation, residue mobility, and thermodynamic stability) performed at Invitae indicates that this missense variant is not expected to disrupt CDK13 protein function with a negative predictive value of 80%. In summary, the available evidence is currently insufficient to determine the role of this variant in disease. Therefore, it has been classified as a Variant of Uncertain Significance.